The following is an entry in ClinVar:

ClinVar aggregate classification (germline): Pathogenic (1 of 4 stars; one submission).

Conditions:
Wiskott-Aldrich syndrome 2 (WAS2). Also called: WIPF1 DEFICIENCY. Identifiers: Orphanet 906, MedGen C3281001, MONDO:0013779, OMIM 614493.

Submission:

Labcorp Genetics (formerly Invitae), Labcorp
Classification: Pathogenic for Wiskott-Aldrich syndrome 2. Last evaluated: 2023-03-06. Review status: criteria provided, single submitter. Criteria: Invitae Variant Classification Sherloc (09022015). Collection method: clinical testing. Allele origin: germline.
Comment: For these reasons, this variant has been classified as Pathogenic. This variant has not been reported in the literature in individuals affected with WIPF1-related conditions. This variant is not present in population databases (gnomAD no frequency). This sequence change creates a premature translational stop signal (p.Ser196*) in the WIPF1 gene. It is expected to result in an absent or disrupted protein product. Loss-of-function variants in WIPF1 are known to be pathogenic (PMID: 22231303, 27742395).

Literature cited by the submitters: PubMed 22231303; PubMed 27742395.

NM_001375834.1(WIPF1):c.587C>G (p.Ser196Ter)

Gene: WIPF1 (WAS/WASL interacting protein family member 1; minus strand). Cytogenetic location: 2q31.1.
Variant type: single nucleotide variant.
Coding change: c.587C>G on transcript NM_001375834.1 (MANE Select); coding-DNA position 587, C replaced by G.
Protein change: p.Ser196Ter; replaces serine 196 with a stop codon.
Molecular consequence: nonsense.
Genome position (GRCh38, 1-based): chr2:174,572,218, G>C on the plus strand (C>G on the coding strand, the complement: WIPF1 is on the minus strand). VCF-style: chr2-174572218-G-C. GRCh37 (hg19) VCF-style: chr2-175436946-G-C.
Other names: c.587C>G, p.Ser196Ter (NM_001077269.1, NM_001375832.1, NM_001375833.1 and 5 more transcripts); c.209C>G, p.Ser70Ter (NM_001375839.1); short protein forms S196*, S70*.
Identifiers: ClinVar variation 2821077 (VCV002821077.3), dbSNP rs2468475708, ClinGen allele CA349342727.
Genomic context (GRCh38, chr2:174,572,218, plus strand): 5'-CCGGGGCTGGGCTGCCTGGGGCCTCCGGGCACTGGTGGGGACCCCCGGTTGTGCGGACTT[G>C]ATTGAATGGGTCTTGGAGTACTAGGTACTGGAGGAGGAATGCTATCAGGCTTTGAGCCCA-3'